The following is an entry in ClinVar:

NM_177438.3(DICER1):c.4438G>T (p.Glu1480Ter)

Gene: DICER1 (dicer 1, ribonuclease III; minus strand). Cytogenetic location: 14q32.13.
Variant type: single nucleotide variant.
Coding change: c.4438G>T on transcript NM_177438.3 (MANE Select); coding-DNA position 4438, G replaced by T.
Protein change: p.Glu1480Ter; replaces glutamic acid 1480 with a stop codon.
Molecular consequence: nonsense.
Genome position (GRCh38, 1-based): chr14:95,096,482, C>A on the plus strand (G>T on the coding strand, the complement: DICER1 is on the minus strand). VCF-style: chr14-95096482-C-A. GRCh37 (hg19) VCF-style: chr14-95562819-C-A.
Other names: c.4438G>T, p.Glu1480Ter (NM_001195573.1, NM_001271282.3, NM_001291628.2 and 1 more transcripts); short protein forms E1480*.
Identifiers: ClinVar variation 957200 (VCV000957200.9), dbSNP rs1890350105, ClinGen allele CA390868523.

ClinVar aggregate classification (germline): Pathogenic (1 of 4 stars; one submission).

Conditions:
DICER1-related tumor predisposition. Also called: DICER1 syndrome; DICER1-related pleuropulmonary blastoma cancer predisposition syndrome. Identifiers: Orphanet 284343, MedGen C3839822, MONDO:0100216.

Submission:

Labcorp Genetics (formerly Invitae), Labcorp
Classification: Pathogenic for DICER1-related tumor predisposition. Last evaluated: 2019-09-23. Review status: criteria provided, single submitter. Criteria: Invitae Variant Classification Sherloc (09022015). Collection method: clinical testing. Allele origin: germline.
Comment: For these reasons, this variant has been classified as Pathogenic. Loss-of-function variants in DICER1 are known to be pathogenic (PMID: 19556464, 21266384). This variant has not been reported in the literature in individuals with DICER1-related conditions. This variant is not present in population databases (ExAC no frequency). This sequence change creates a premature translational stop signal (p.Glu1480*) in the DICER1 gene. It is expected to result in an absent or disrupted protein product.

Literature cited by the submitters: PubMed 19556464; PubMed 21266384.